The following is an entry in ClinVar:

ClinVar aggregate classification (germline): Uncertain significance (1 of 4 stars; one submission).

Conditions:
Chédiak-Higashi syndrome (CHS). Also called: Chediak-Higashi Syndrome. Identifiers: Orphanet 167, MedGen C0007965, MONDO:0008963, OMIM 214500.

Submission:

Labcorp Genetics (formerly Invitae), Labcorp
Classification: Uncertain significance for Chédiak-Higashi syndrome. Last evaluated: 2022-07-21. Review status: criteria provided, single submitter. Criteria: Invitae Variant Classification Sherloc (09022015). Collection method: clinical testing. Allele origin: germline.
Comment: In summary, the available evidence is currently insufficient to determine the role of this variant in disease. Therefore, it has been classified as a Variant of Uncertain Significance. Variants that disrupt the consensus splice site are a relatively common cause of aberrant splicing (PMID: 17576681, 9536098). Algorithms developed to predict the effect of sequence changes on RNA splicing suggest that this variant may disrupt the consensus splice site. This variant has not been reported in the literature in individuals affected with LYST-related conditions. This variant is not present in population databases (gnomAD no frequency). This sequence change falls in intron 31 of the LYST gene. It does not directly change the encoded amino acid sequence of the LYST protein. It affects a nucleotide within the consensus splice site.

Literature cited by the submitters: PubMed 17576681; PubMed 9536098.

NM_000081.4(LYST):c.8358+5G>C

Gene: LYST (lysosomal trafficking regulator; minus strand). Cytogenetic location: 1q42.3.
Variant type: single nucleotide variant.
Coding change: c.8358+5G>C on transcript NM_000081.4 (MANE Select); 5 bases into the intron after coding-DNA position 8358, G replaced by C.
Molecular consequence: intron variant.
Genome position (GRCh38, 1-based): chr1:235,741,417, C>G on the plus strand (G>C on the coding strand, the complement: LYST is on the minus strand). VCF-style: chr1-235741417-C-G. GRCh37 (hg19) VCF-style: chr1-235904717-C-G.
Other names: c.8358+5G>C (NM_001301365.1).
Identifiers: ClinVar variation 2001971 (VCV002001971.4), dbSNP rs1387533895, ClinGen allele CA733134726.